The following is an entry in ClinVar:

ClinVar aggregate classification (germline): Uncertain significance. Review status: criteria provided, multiple submitters, no conflicts (2 of 4 stars). 2 submissions from 2 submitters: Uncertain significance (2). Last evaluated 2022-07-26.

Conditions:
ALG6-congenital disorder of glycosylation 1C (CDG1C). Also called: CARBOHYDRATE-DEFICIENT GLYCOPROTEIN SYNDROME, TYPE I, WITH DEFICIENT GLYCOSYLATION OF DOLICHOL-LINKED OLIGOSACCHARIDE; CARBOHYDRATE-DEFICIENT GLYCOPROTEIN SYNDROME, TYPE V; Congenital disorder of glycosylation type 1C; Congenital disorder of glycosylation, type Ic; CDG Ic. Identifiers: Orphanet 79320, MedGen C2930997, MONDO:0011291, OMIM 603147.

Allele frequency attached by ClinVar (database versions not stated): gnomAD exomes below 0.00001; TOPMed below 0.00001; gnomAD 0.00001.
gnomAD v4.1: 5 of 1,590,598 alleles (0.00031%); highest among the groups gnomAD compares: Non-Finnish European, 0.00026%; no homozygotes.

Submissions (2):

Labcorp Genetics (formerly Invitae), Labcorp
Classification: Uncertain significance for ALG6-congenital disorder of glycosylation 1C. Last evaluated: 2022-07-26. Review status: criteria provided, single submitter. Criteria: Invitae Variant Classification Sherloc (09022015). Collection method: clinical testing. Allele origin: germline.
Comment: This sequence change replaces glutamine, which is neutral and polar, with arginine, which is basic and polar, at codon 440 of the ALG6 protein (p.Gln440Arg). This variant is not present in population databases (gnomAD no frequency). This variant has not been reported in the literature in individuals affected with ALG6-related conditions. ClinVar contains an entry for this variant (Variation ID: 434128). Algorithms developed to predict the effect of missense changes on protein structure and function output the following: SIFT: "Tolerated"; PolyPhen-2: "Benign"; Align-GVGD: "Class C0". The arginine amino acid residue is found in multiple mammalian species, which suggests that this missense change does not adversely affect protein function. In summary, the available evidence is currently insufficient to determine the role of this variant in disease. Therefore, it has been classified as a Variant of Uncertain Significance.

Genetic Services Laboratory, University of Chicago
Classification: Uncertain significance. Last evaluated: 2016-06-15. Review status: criteria provided, single submitter. Criteria: ACMG Guidelines, 2015. Collection method: clinical testing. Allele origin: germline. Affected: no.

NM_013339.4(ALG6):c.1319A>G (p.Gln440Arg)

Gene: ALG6 (ALG6 alpha-1,3-glucosyltransferase; plus strand). Cytogenetic location: 1p31.3.
Variant type: single nucleotide variant.
Coding change: c.1319A>G on transcript NM_013339.4 (MANE Select); coding-DNA position 1319, A replaced by G.
Protein change: p.Gln440Arg; replaces glutamine 440 with arginine.
Molecular consequence: missense variant.
Genome position (GRCh38, 1-based): chr1:63,429,119, A>G. VCF-style: chr1-63429119-A-G. GRCh37 (hg19) VCF-style: chr1-63894790-A-G.
Other names: c.1319A>G, p.Gln440Arg (LRG_1260t1); short protein forms Q440R.
Identifiers: ClinVar variation 434128 (VCV000434128.13), dbSNP rs1475278999, ClinGen allele CA340640738.